The following is an entry in ClinVar:

NM_020745.4(AARS2):c.761G>C (p.Gly254Ala)

Gene: AARS2 (alanyl-tRNA synthetase 2, mitochondrial; minus strand). Cytogenetic location: 6p21.1.
Variant type: single nucleotide variant.
Coding change: c.761G>C on transcript NM_020745.4 (MANE Select); coding-DNA position 761, G replaced by C.
Protein change: p.Gly254Ala; replaces glycine 254 with alanine.
Molecular consequence: missense variant.
Genome position (GRCh38, 1-based): chr6:44,310,432, C>G on the plus strand (G>C on the coding strand, the complement: AARS2 is on the minus strand). VCF-style: chr6-44310432-C-G. GRCh37 (hg19) VCF-style: chr6-44278169-C-G.
Other names: c.761G>C (NM_020745.2); short protein forms G254A.
Identifiers: ClinVar variation 357080 (VCV000357080.20), dbSNP rs199919912, ClinGen allele CA3834553.

ClinVar aggregate classification (germline): Conflicting classifications of pathogenicity. Review status: criteria provided, conflicting classifications (1 of 4 stars). 5 submissions from 5 submitters: Uncertain significance (3); Likely benign (1). 1 of the submissions does not count toward it. Last evaluated 2024-05-15.

Conditions:
AARS2-related disorder. Also called: AARS2-related condition; AARS2-related disorders. Identifiers: MedGen CN381518, MONDO:1060240.
Combined oxidative phosphorylation defect type 8. Also called: CARDIOMYOPATHY, HYPERTROPHIC MITOCHONDRIAL, FATAL INFANTILE. Identifiers: Orphanet 319504, MedGen C4518839, MONDO:0013570, OMIM 614096.

Allele frequency attached by ClinVar (database versions not stated): gnomAD 0.00007 and 0.00009; TOPMed 0.00022; 1000 Genomes Project 30x 0.00031; 1000 Genomes Project 0.00040.
gnomAD v4.1: 90 of 1,613,706 alleles (0.0056%); highest among the groups gnomAD compares: East Asian, 0.17%; no homozygotes.

Submissions (5):

Labcorp Genetics (formerly Invitae), Labcorp
Classification: Likely benign. Last evaluated: 2024-05-15. Review status: criteria provided, single submitter. Criteria: Invitae Variant Classification Sherloc (09022015). Collection method: clinical testing. Allele origin: germline.

GeneDx
Classification: Uncertain significance. Last evaluated: 2023-10-26. Review status: criteria provided, single submitter. Criteria: GeneDx Variant Classification Process June 2021. Collection method: clinical testing. Allele origin: germline. Affected: yes.
Comment: Same amino acid substitution caused by a different nucleotide change (c.761 G>A) was classified as a variant of uncertain significance and has been reported on the opposite allele (in trans) with another variant of uncertain significance, in published literature (PMID: 32571458); In silico analysis supports that this missense variant has a deleterious effect on protein structure/function; This variant is associated with the following publications: (PMID: 35598585, 32571458)

Illumina Laboratory Services, Illumina
Classification: Uncertain significance for Combined oxidative phosphorylation defect type 8. Last evaluated: 2018-01-13. Review status: criteria provided, single submitter. Criteria: ICSL Variant Classification Criteria 13 December 2019. Collection method: clinical testing. Allele origin: germline.

Eurofins Ntd Llc (ga)
Classification: Uncertain significance. Last evaluated: 2016-11-29. Review status: criteria provided, single submitter. Criteria: EGL Classification Definitions 2015. Collection method: clinical testing. Allele origin: germline. Observed: 1 variant allele, 1 heterozygote.

PreventionGenetics, part of Exact Sciences
Classification: Likely benign for AARS2-related condition. Last evaluated: 2023-10-27. Review status: no assertion criteria provided. Collection method: clinical testing. Allele origin: germline. Not counted in ClinVar's aggregate classification.
Comment: This variant is classified as likely benign based on ACMG/AMP sequence variant interpretation guidelines (Richards et al. 2015 PMID: 25741868, with internal and published modifications).